The following is an entry in ClinVar:

ClinVar aggregate classification (germline): Likely pathogenic (1 of 4 stars; one submission).

Submission:

Labcorp Genetics (formerly Invitae), Labcorp
Classification: Likely pathogenic. Last evaluated: 2023-09-17. Review status: criteria provided, single submitter. Criteria: Invitae Variant Classification Sherloc (09022015). Collection method: clinical testing. Allele origin: germline.
Comment: In summary, the currently available evidence indicates that the variant is pathogenic, but additional data are needed to prove that conclusively. Therefore, this variant has been classified as Likely Pathogenic. Algorithms developed to predict the effect of sequence changes on RNA splicing suggest that this variant may disrupt the consensus splice site. This variant has not been reported in the literature in individuals affected with ABCA3-related conditions. This variant is not present in population databases (gnomAD no frequency). This sequence change affects a donor splice site in intron 9 of the ABCA3 gene. It is expected to disrupt RNA splicing. Variants that disrupt the donor or acceptor splice site typically lead to a loss of protein function (PMID: 16199547), and loss-of-function variants in ABCA3 are known to be pathogenic (PMID: 27516224).

Literature cited by the submitters: PubMed 16199547; PubMed 27516224.

NM_001089.3(ABCA3):c.990+1G>T

Gene: ABCA3 (ATP binding cassette subfamily A member 3; minus strand). Cytogenetic location: 16p13.3.
Variant type: single nucleotide variant.
Coding change: c.990+1G>T on transcript NM_001089.3 (MANE Select); the canonical splice donor site of the intron after coding-DNA position 990, G replaced by T.
Molecular consequence: splice donor variant.
Genome position (GRCh38, 1-based): chr16:2,317,647, C>A on the plus strand (G>T on the coding strand, the complement: ABCA3 is on the minus strand). VCF-style: chr16-2317647-C-A. GRCh37 (hg19) VCF-style: chr16-2367648-C-A.
Identifiers: ClinVar variation 2761290 (VCV002761290.3), dbSNP rs2505665944, ClinGen allele CA394343344.